The following is an entry in ClinVar:

ClinVar aggregate classification (germline): Uncertain significance. Review status: criteria provided, multiple submitters, no conflicts (2 of 4 stars). 8 submissions from 8 submitters: Uncertain significance (8). Last evaluated 2026-07-21.

Conditions:
Cardiovascular phenotype. Identifiers: MedGen CN230736.
RIT1-related disorder. Also called: RIT1-related condition.
Noonan syndrome 8 (NS8). Identifiers: Orphanet 648, MedGen C3809233, MONDO:0014143, OMIM 615355.

Allele frequency attached by ClinVar (database versions not stated): gnomAD 0.00001; gnomAD exomes 0.00001 and 0.00002; ExAC 0.00002; TOPMed 0.00002.
gnomAD v4.1: 13 of 1,613,998 alleles (0.00081%); highest among the groups gnomAD compares: Non-Finnish European, 0.0011%; no homozygotes.

Submissions (8):

PreventionGenetics, part of Exact Sciences
Classification: Uncertain significance for RIT1-related condition. Last evaluated: 2026-07-21. Review status: criteria provided, single submitter. Criteria: ACMG Guidelines, 2015. Collection method: clinical testing. Allele origin: germline.
Comment: The RIT1 c.191C>T variant is predicted to result in the amino acid substitution p.Pro64Leu. To our knowledge, this variant has not been reported in the literature. This variant is reported in 0.0039% of alleles in individuals of European (Non-Finnish) descent in gnomAD. At this time, the clinical significance of this variant is uncertain due to the absence of conclusive functional and genetic evidence.

Labcorp Genetics (formerly Invitae), Labcorp
Classification: Uncertain significance for Noonan syndrome 8. Last evaluated: 2025-10-16. Review status: criteria provided, single submitter. Criteria: Invitae Variant Classification Sherloc (09022015). Collection method: clinical testing. Allele origin: germline.
Comment: This sequence change replaces proline, which is neutral and non-polar, with leucine, which is neutral and non-polar, at codon 47 of the RIT1 protein (p.Pro47Leu). This variant is present in population databases (rs747376042, gnomAD 0.004%). This variant has not been reported in the literature in individuals affected with RIT1-related conditions. ClinVar contains an entry for this variant (Variation ID: 842237). Invitae Evidence Modeling incorporating data from in vitro experimental studies (internal data) indicates that this missense variant is not expected to disrupt RIT1 function with a negative predictive value of 95%. In summary, the available evidence is currently insufficient to determine the role of this variant in disease. Therefore, it has been classified as a Variant of Uncertain Significance.

Dasa
Classification: Uncertain significance. Last evaluated: 2025-06-27. Review status: criteria provided, single submitter. Criteria: DASA Assertion Criteria. Collection method: clinical testing. Allele origin: germline.
Comment: NM_006912.6(RIT1):c.140C>T (p.Pro47Leu) is a missense variant that results in the substitution of proline with leucine. This variant is rare in population databases. The currently available literature and clinical evidence are not sufficient to establish a definitive association between this variant and the reported condition. Therefore, this variant is classified as a variant of uncertain significance.

Ambry Genetics
Classification: Uncertain significance for Cardiovascular phenotype. Last evaluated: 2025-03-14. Review status: criteria provided, single submitter. Criteria: Ambry Variant Classification Scheme 2023. Collection method: clinical testing. Allele origin: germline.
Comment: The p.P47L variant (also known as c.140C>T), located in coding exon 2 of the RIT1 gene, results from a C to T substitution at nucleotide position 140. The proline at codon 47 is replaced by leucine, an amino acid with similar properties. This amino acid position is highly conserved in available vertebrate species. In addition, the in silico prediction for this alteration is inconclusive. Since supporting evidence is limited at this time, the clinical significance of this alteration remains unclear.

Genome-Nilou Lab
Classification: Uncertain significance for Noonan syndrome 8. Last evaluated: 2023-04-11. Review status: criteria provided, single submitter. Criteria: ACMG Guidelines, 2015. Collection method: clinical testing. Allele origin: germline. Affected: no.

St. Jude Molecular Pathology, St. Jude Children's Research Hospital
Classification: Uncertain significance for Noonan syndrome 8. Last evaluated: 2022-07-21. Review status: criteria provided, single submitter. Criteria: St. Jude Assertion Criteria 2020. Collection method: clinical testing. Allele origin: germline.
Comment: The RIT1 c.140CT (p.Pro47Leu) missense change has a maximum subpopulation frequency of 0.0039% in gnomAD v2.1.1. The in silico tool REVEL is inconclusive about a pathogenic or benign effect of this variant on protein function, and to our knowledge functional studies have not been performed. This variant occurs in a gene where missense variants are a common mechanism of disease (PP2). To our knowledge, this variant has not been reported in individuals with Noonan syndrome. In summary, the evidence currently available is insufficient to determine the clinical significance of this variant. It has therefore been classified as of uncertain significance.

Fulgent Genetics
Classification: Uncertain significance for Noonan syndrome 8. Last evaluated: 2022-02-11. Review status: criteria provided, single submitter. Criteria: ACMG Guidelines, 2015. Collection method: clinical testing. Allele origin: unknown.

Women's Health and Genetics/Laboratory Corporation of America, LabCorp
Classification: Uncertain significance. Last evaluated: 2020-03-16. Review status: criteria provided, single submitter. Criteria: LabCorp Variant Classification Summary - May 2015. Collection method: clinical testing. Allele origin: germline.
Comment: Variant summary: RIT1 c.140C>T (p.Pro47Leu) results in a non-conservative amino acid change located in the Small GTP-binding protein domain (IPR005225) of the encoded protein sequence. Three of five in-silico tools predict a benign effect of the variant on protein function. The variant allele was found at a frequency of 2e-05 in 251456 control chromosomes. The available data on variant occurrences in the general population are insufficient to allow any conclusion about variant significance. To our knowledge, no occurrence of c.140C>T in individuals affected with Noonan Syndrome and Related Conditions and no experimental evidence demonstrating its impact on protein function have been reported. No clinical diagnostic laboratories have submitted clinical-significance assessments for this variant to ClinVar after 2014. Based on the evidence outlined above, the variant was classified as uncertain significance.

NM_006912.6(RIT1):c.140C>T (p.Pro47Leu)

Gene: RIT1 (Ras like without CAAX 1; minus strand). Cytogenetic location: 1q22.
Variant type: single nucleotide variant.
Coding change: c.140C>T on transcript NM_006912.6 (MANE Select); coding-DNA position 140, C replaced by T.
Protein change: p.Pro47Leu; replaces proline 47 with leucine.
Molecular consequence: missense variant.
Genome position (GRCh38, 1-based): chr1:155,910,473, G>A on the plus strand (C>T on the coding strand, the complement: RIT1 is on the minus strand). VCF-style: chr1-155910473-G-A. GRCh37 (hg19) VCF-style: chr1-155880264-G-A.
Other names: c.32C>T, p.Pro11Leu (NM_001256820.2); c.191C>T, p.Pro64Leu (NM_001256821.2); c.191C>T (NM_001256821.1); short protein forms P47L, P11L, P64L.
Identifiers: ClinVar variation 842237 (VCV000842237.18), dbSNP rs747376042, ClinGen allele CA1151879.